The following is an entry in ClinVar:

ClinVar aggregate classification (germline): Uncertain significance (1 of 4 stars; one submission).

Allele frequency attached by ClinVar (database versions not stated): gnomAD exomes 0.00001; gnomAD 0.00003; TOPMed 0.00003; ExAC 0.00001.
gnomAD v4.1: 20 of 1,613,324 alleles (0.0012%); highest among the groups gnomAD compares: Non-Finnish European, 0.0014%; no homozygotes.

Submission:

Labcorp Genetics (formerly Invitae), Labcorp
Classification: Uncertain significance. Last evaluated: 2022-08-22. Review status: criteria provided, single submitter. Criteria: Invitae Variant Classification Sherloc (09022015). Collection method: clinical testing. Allele origin: germline.
Comment: Advanced modeling of protein sequence and biophysical properties (such as structural, functional, and spatial information, amino acid conservation, physicochemical variation, residue mobility, and thermodynamic stability) performed at Invitae indicates that this missense variant is expected to disrupt CACNA1B protein function. This sequence change replaces arginine, which is basic and polar, with cysteine, which is neutral and slightly polar, at codon 1580 of the CACNA1B protein (p.Arg1580Cys). This variant is present in population databases (rs200279564, gnomAD 0.002%). This variant has not been reported in the literature in individuals affected with CACNA1B-related conditions. In summary, the available evidence is currently insufficient to determine the role of this variant in disease. Therefore, it has been classified as a Variant of Uncertain Significance.

NM_000718.4(CACNA1B):c.4738C>T (p.Arg1580Cys)

Gene: CACNA1B (calcium voltage-gated channel subunit alpha1 B; plus strand). Cytogenetic location: 9q34.3.
Variant type: single nucleotide variant.
Coding change: c.4738C>T on transcript NM_000718.4 (MANE Select); coding-DNA position 4738, C replaced by T.
Protein change: p.Arg1580Cys; replaces arginine 1580 with cysteine.
Molecular consequence: missense variant.
Genome position (GRCh38, 1-based): chr9:138,073,551, C>T. VCF-style: chr9-138073551-C-T. GRCh37 (hg19) VCF-style: chr9-140968003-C-T.
Other names: c.4738C>T, p.Arg1580Cys (NM_001243812.2); short protein forms R1580C.
Identifiers: ClinVar variation 2070572 (VCV002070572.4), dbSNP rs200279564, ClinGen allele CA5377120.